The following is an entry in ClinVar:

NM_001267550.2(TTN):c.48332_48339delinsTGAT (p.Asp16111fs)

Genes: TTN (titin; minus strand), TTN-AS1 (TTN antisense RNA 1; plus strand). Cytogenetic location: 2q31.2.
Variant type: Indel.
Coding change: c.48332_48339delinsTGAT on transcript NM_001267550.2 (MANE Select); coding-DNA positions 48332 to 48339, ATCTAGAA replaced by TGAT.
Protein change: p.Asp16111fs; shifts the reading frame from aspartic acid 16111.
Molecular consequence: frameshift variant.
Genome position (GRCh38, 1-based): chr2:178,615,762-178,615,769, TTCTAGAT replaced by ATCA on the plus strand (ATCTAGAA replaced by TGAT on the coding strand, the reverse complement: TTN is on the minus strand). VCF-style: chr2-178615762-TTCTAGAT-ATCA. GRCh37 (hg19) VCF-style: chr2-179480489-TTCTAGAT-ATCA.
Other names: c.43409_43416delinsTGAT, p.Asp14470fs (NM_001256850.1); c.21137_21144delinsTGAT, p.Asp7046fs (NM_003319.4); c.40628_40635delinsTGAT, p.Asp13543fs (NM_133378.4); c.21512_21519delinsTGAT, p.Asp7171fs (NM_133432.3); c.21713_21720delinsTGAT, p.Asp7238fs (NM_133437.4); short protein forms D13543fs, D14470fs, D16111fs, D7046fs, D7171fs, D7238fs.
Identifiers: ClinVar variation 3382825 (VCV003382825.3).

ClinVar aggregate classification (germline): Likely pathogenic (1 of 4 stars; one submission).

Conditions:
Dilated cardiomyopathy 1G (CMD1G). Identifiers: Orphanet 154, MedGen C1858763, MONDO:0011400, OMIM 604145.
Hypertrophic cardiomyopathy 9. Also called: Familial hypertrophic cardiomyopathy 9. Identifiers: MedGen C1861065, MONDO:0013412, OMIM 613765.
Early-onset myopathy with fatal cardiomyopathy (CMYO5). Also called: Salih Myopathy; CONGENITAL MYOPATHY 5 WITH CARDIOMYOPATHY. Identifiers: Orphanet 289377, MedGen C2673677, MONDO:0012714, OMIM 611705. Disease mechanism: loss of function.
Tibial muscular dystrophy (TMD). Also called: Tibial muscular dystrophy, tardive; Udd Distal Myopathy – Tibial Muscular Dystrophy; UDD MYOPATHY. Identifiers: Orphanet 609, MedGen C1838244, MONDO:0010870, OMIM 600334.
Autosomal recessive limb-girdle muscular dystrophy type 2J (LGMDR10). Also called: MUSCULAR DYSTROPHY, LIMB-GIRDLE, AUTOSOMAL RECESSIVE 10; Limb-girdle muscular dystrophy, type 2J. Identifiers: Orphanet 140922, MedGen C1837342, MONDO:0012127, OMIM 608807.
Myopathy, myofibrillar, 9, with early respiratory failure (MFM9). Also called: EDSTROM MYOPATHY; Myopathy, distal, with early respiratory failure, autosomal dominant; Hereditary myopathy with early respiratory failure; MYOPATHY, PROXIMAL, WITH EARLY RESPIRATORY MUSCLE INVOLVEMENT. Identifiers: Orphanet 178464, Orphanet 34521, MedGen C1863599, MONDO:0011362, OMIM 603689.

Submission:

Juno Genomics, Hangzhou Juno Genomics, Inc
Classification: Likely pathogenic for Early-onset myopathy with fatal cardiomyopathy; Dilated cardiomyopathy 1G; Hypertrophic cardiomyopathy 9; Autosomal recessive limb-girdle muscular dystrophy type 2J; Myopathy, myofibrillar, 9, with early respiratory failure; Tibial muscular dystrophy. Review status: criteria provided, single submitter. Criteria: ACMG Guidelines, 2015. Collection method: clinical testing. Allele origin: germline.
Comment: Absent from controls (or at extremely low frequency if recessive) in Genome Aggregation Database.;Null variant in a gene where loss of function (LOF) is a known mechanism of disease.